The following is an entry in ClinVar:

ClinVar aggregate classification (germline): Uncertain significance (1 of 4 stars; one submission).

Conditions:
Primary ciliary dyskinesia. Also called: Ciliary dyskinesia. Identifiers: Orphanet 244, MedGen C0008780, MONDO:0016575, HP:0012265.

Allele frequency attached by ClinVar (database versions not stated): gnomAD exomes below 0.00001 and 0.00001; TOPMed below 0.00001.
gnomAD v4.1: 7 of 1,611,346 alleles (0.00043%); highest among the groups gnomAD compares: East Asian, 0.013%; no homozygotes.

Submission:

Labcorp Genetics (formerly Invitae), Labcorp
Classification: Uncertain significance for Primary ciliary dyskinesia. Last evaluated: 2022-02-03. Review status: criteria provided, single submitter. Criteria: Invitae Variant Classification Sherloc (09022015). Collection method: clinical testing. Allele origin: germline.
Comment: This sequence change falls in intron 11 of the DNAI2 gene. It does not directly change the encoded amino acid sequence of the DNAI2 protein. It affects a nucleotide within the consensus splice site. This variant is present in population databases (rs555938890, gnomAD 0.006%). This variant has not been reported in the literature in individuals affected with DNAI2-related conditions. Variants that disrupt the consensus splice site are a relatively common cause of aberrant splicing (PMID: 17576681, 9536098). Algorithms developed to predict the effect of sequence changes on RNA splicing suggest that this variant is not likely to affect RNA splicing. In summary, the available evidence is currently insufficient to determine the role of this variant in disease. Therefore, it has been classified as a Variant of Uncertain Significance.

Literature cited by the submitters: PubMed 17576681; PubMed 9536098.

NM_023036.6(DNAI2):c.1495-3C>T

Gene: DNAI2 (dynein axonemal intermediate chain 2; plus strand). Cytogenetic location: 17q25.1.
Variant type: single nucleotide variant.
Coding change: c.1495-3C>T on transcript NM_023036.6 (MANE Select); 3 bases into the intron before coding-DNA position 1495, C replaced by T.
Molecular consequence: intron variant.
Genome position (GRCh38, 1-based): chr17:74,312,000, C>T. VCF-style: chr17-74312000-C-T. GRCh37 (hg19) VCF-style: chr17-72308139-C-T.
Other names: c.1495-3C>T (NM_001353167.2); c.1459-3C>T (NM_001172810.3).
Identifiers: ClinVar variation 1388638 (VCV001388638.5), dbSNP rs555938890, ClinGen allele CA293864975.
Genomic context (GRCh38, chr17:74,312,000, plus strand): 5'-CACTGGAGTCGCTTGCCATCCTGCCCTCTCCCCACCGGGCTCTCTCTGTCCCTGGGTGCC[C>T]AGATGTTTGAGCGTGAGACCCGGCGAGAGAAGATCCTGGAGGCCAGGCACCGGGAGATGC-3'